The following is an entry in ClinVar:

NM_001174096.2(ZEB1):c.1063G>T (p.Glu355Ter)

Gene: ZEB1 (zinc finger E-box binding homeobox 1; plus strand). Cytogenetic location: 10p11.22.
Variant type: single nucleotide variant.
Coding change: c.1063G>T on transcript NM_001174096.2 (MANE Select); coding-DNA position 1063, G replaced by T.
Protein change: p.Glu355Ter; replaces glutamic acid 355 with a stop codon.
Molecular consequence: nonsense.
Genome position (GRCh38, 1-based): chr10:31,520,395, G>T. VCF-style: chr10-31520395-G-T. GRCh37 (hg19) VCF-style: chr10-31809323-G-T.
Other names: c.1012G>T, p.Glu338Ter (NM_001128128.3); c.1000G>T, p.Glu334Ter (NM_001174093.2); c.1009G>T, p.Glu337Ter (NM_001174094.2); c.859G>T, p.Glu287Ter (NM_001174095.2); c.406G>T, p.Glu136Ter (NM_001323638.2, NM_001323641.2, NM_001323642.2 and 27 more transcripts); c.838G>T, p.Glu280Ter (NM_001323674.2); c.796G>T, p.Glu266Ter (NM_001323675.2); c.1021G>T, p.Glu341Ter (NM_001323676.2); and 3 more; short protein forms E136*, E355*, E337*, E338*, E341*, E354*, E263*, E287*.
Identifiers: ClinVar variation 4713282 (VCV004713282.1).

ClinVar aggregate classification (germline): Pathogenic (1 of 4 stars; one submission).

Submission:

Labcorp Genetics (formerly Invitae), Labcorp
Classification: Pathogenic. Last evaluated: 2025-02-17. Review status: criteria provided, single submitter. Criteria: Invitae Variant Classification Sherloc (09022015). Collection method: clinical testing. Allele origin: germline.
Comment: This sequence change creates a premature translational stop signal (p.Glu354*) in the ZEB1 gene. It is expected to result in an absent or disrupted protein product. Loss-of-function variants in ZEB1 are known to be pathogenic (PMID: 16252232, 17935237, 30851240). This variant is not present in population databases (gnomAD no frequency). This variant has not been reported in the literature in individuals affected with ZEB1-related conditions. For these reasons, this variant has been classified as Pathogenic.

Literature cited by the submitters: PubMed 16252232; PubMed 17935237; PubMed 30851240.